The following is an entry in ClinVar:

ClinVar aggregate classification (germline): Likely benign. Review status: criteria provided, multiple submitters, no conflicts (2 of 4 stars). 4 submissions from 4 submitters: Likely benign (3). 1 of the submissions does not count toward it. Last evaluated 2026-01-20.

Conditions:
ATOH7-related condition.

Allele frequency attached by ClinVar (database versions not stated): gnomAD exomes 0.00009; ExAC 0.00012; ESP Exome Variant Server 0.00015; gnomAD 0.00017 and 0.00022; TOPMed 0.00022; 1000 Genomes Project 30x 0.00141; 1000 Genomes Project 0.00160.

Submissions (4):

Labcorp Genetics (formerly Invitae), Labcorp
Classification: Likely benign. Last evaluated: 2026-01-20. Review status: criteria provided, single submitter. Criteria: Invitae Variant Classification Sherloc (09022015). Collection method: clinical testing. Allele origin: germline.

Blueprint Genetics
Classification: Likely benign. Last evaluated: 2024-11-07. Review status: criteria provided, single submitter. Criteria: ACMG Guidelines, 2015. Collection method: clinical testing. Allele origin: germline.

Breakthrough Genomics
Classification: Likely benign. Review status: criteria provided, single submitter. Criteria: ACMG Guidelines, 2015. Collection method: not provided. Allele origin: germline. Inheritance: Autosomal recessive inheritance. Affected: yes.

PreventionGenetics, part of Exact Sciences
Classification: Likely benign for ATOH7-related condition. Last evaluated: 2024-03-11. Review status: no assertion criteria provided. Collection method: clinical testing. Allele origin: germline. Not counted in ClinVar's aggregate classification.
Comment: This variant is classified as likely benign based on ACMG/AMP sequence variant interpretation guidelines (Richards et al. 2015 PMID: 25741868, with internal and published modifications).

NM_145178.4(ATOH7):c.144C>T (p.Arg48=)

Gene: ATOH7 (atonal bHLH transcription factor 7; minus strand). Cytogenetic location: 10q21.3.
Variant type: single nucleotide variant.
Coding change: c.144C>T on transcript NM_145178.4 (MANE Select); coding-DNA position 144, C replaced by T.
Protein change: p.Arg48=; no amino-acid change (arginine 48 retained).
Molecular consequence: synonymous variant.
Genome position (GRCh38, 1-based): chr10:68,231,534, G>A on the plus strand (C>T on the coding strand, the complement: ATOH7 is on the minus strand). VCF-style: chr10-68231534-G-A. GRCh37 (hg19) VCF-style: chr10-69991291-G-A.
Other names: c.144C>T (NM_145178.3).
Identifiers: ClinVar variation 1080896 (VCV001080896.12), dbSNP rs145975940, ClinGen allele CA5523389.
Genomic context (GRCh38, chr10:68,231,534, plus strand): 5'-GGGAACCACCCTGCGTAAGCGGTCGAAGGCAGTGTTGAGCCCCTGCATGCGGCGGCGCTC[G>A]CGCGCGTTGGCCGCCAGGCGCCTGCGCGCCGCGCTCTCCAGCCGCCCGGCCCCGGCGCAC-3'
Protein context (NP_660161.1, residues 38-58): AARRRLAANA[Arg48=]ERRRMQGLNT